The following is an entry in ClinVar:

NM_001042492.3(NF1):c.1915A>T (p.Asn639Tyr)

Gene: NF1 (neurofibromin 1; plus strand). Cytogenetic location: 17q11.2.
Variant type: single nucleotide variant.
Coding change: c.1915A>T on transcript NM_001042492.3 (MANE Select); coding-DNA position 1915, A replaced by T.
Protein change: p.Asn639Tyr; replaces asparagine 639 with tyrosine.
Molecular consequence: missense variant.
Genome position (GRCh38, 1-based): chr17:31,225,164, A>T. VCF-style: chr17-31225164-A-T. GRCh37 (hg19) VCF-style: chr17-29552182-A-T.
Other names: c.1915A>T, p.Asn639Tyr (NM_000267.4); short protein forms N639Y.
Identifiers: ClinVar variation 1466903 (VCV001466903.6), dbSNP rs2144026692, ClinGen allele CA399005288.

ClinVar aggregate classification (germline): Uncertain significance (1 of 4 stars; one submission).

Conditions:
Neurofibromatosis, type 1 (NF1). Also called: NEUROFIBROMATOSIS, TYPE I, SOMATIC; VON RECKLINGHAUSEN DISEASE; Peripheral type neurofibromatosis; Neurofibromatosis, type I. Identifiers: Orphanet 636, MedGen C0027831, MONDO:0018975, OMIM 162200. Disease mechanism: loss of function.

Submission:

Labcorp Genetics (formerly Invitae), Labcorp
Classification: Uncertain significance for Neurofibromatosis, type 1. Last evaluated: 2023-05-23. Review status: criteria provided, single submitter. Criteria: Invitae Variant Classification Sherloc (09022015). Collection method: clinical testing. Allele origin: germline.
Comment: In summary, the available evidence is currently insufficient to determine the role of this variant in disease. Therefore, it has been classified as a Variant of Uncertain Significance. Advanced modeling of protein sequence and biophysical properties (such as structural, functional, and spatial information, amino acid conservation, physicochemical variation, residue mobility, and thermodynamic stability) performed at Invitae indicates that this missense variant is not expected to disrupt NF1 protein function. ClinVar contains an entry for this variant (Variation ID: 1466903). This variant has not been reported in the literature in individuals affected with NF1-related conditions. This variant is not present in population databases (gnomAD no frequency). This sequence change replaces asparagine, which is neutral and polar, with tyrosine, which is neutral and polar, at codon 639 of the NF1 protein (p.Asn639Tyr).